The following is an entry in ClinVar:

NM_172107.4(KCNQ2):c.1504G>A (p.Ala502Thr)

Gene: KCNQ2 (potassium voltage-gated channel subfamily Q member 2; minus strand). Cytogenetic location: 20q13.33.
Variant type: single nucleotide variant.
Coding change: c.1504G>A on transcript NM_172107.4 (MANE Select); coding-DNA position 1504, G replaced by A.
Protein change: p.Ala502Thr; replaces alanine 502 with threonine.
Molecular consequence: missense variant.
Genome position (GRCh38, 1-based): chr20:63,414,924, C>T on the plus strand (G>A on the coding strand, the complement: KCNQ2 is on the minus strand). VCF-style: chr20-63414924-C-T. GRCh37 (hg19) VCF-style: chr20-62046277-C-T.
Other names: c.1420G>A, p.Ala474Thr (NM_004518.6); c.1450G>A, p.Ala484Thr (NM_172106.3); c.1414G>A, p.Ala472Thr (NM_172108.5); short protein forms A472T, A484T, A502T, A474T.
Identifiers: ClinVar variation 855445 (VCV000855445.26), dbSNP rs540103798, ClinGen allele CA9958447.

ClinVar aggregate classification (germline): Uncertain significance. Review status: criteria provided, multiple submitters, no conflicts (2 of 4 stars). 2 submissions from 2 submitters: Uncertain significance (2). Last evaluated 2025-11-03.

Conditions:
Early-infantile DEE. Also called: Early infantile epileptic encephalopathy; Ohtahara syndrome; Early infantile epileptic encephalopathy with suppression bursts. Identifiers: Orphanet 1934, MedGen C0393706, MONDO:0800491.

Allele frequency attached by ClinVar (database versions not stated): gnomAD 0.00001 and 0.00003; gnomAD exomes 0.00001 and 0.00002; TOPMed 0.00001; ExAC 0.00002; 1000 Genomes Project 30x 0.00016; 1000 Genomes Project 0.00020.
gnomAD v4.1: 16 of 1,612,776 alleles (0.00099%); highest among the groups gnomAD compares: South Asian, 0.0033%; no homozygotes.

Submissions (2):

Labcorp Genetics (formerly Invitae), Labcorp
Classification: Uncertain significance for Early-infantile DEE. Last evaluated: 2025-11-03. Review status: criteria provided, single submitter. Criteria: Invitae Variant Classification Sherloc (09022015). Collection method: clinical testing. Allele origin: germline.
Comment: This sequence change replaces alanine, which is neutral and non-polar, with threonine, which is neutral and polar, at codon 502 of the KCNQ2 protein (p.Ala502Thr). This variant is present in population databases (rs540103798, gnomAD 0.004%). This variant has not been reported in the literature in individuals affected with KCNQ2-related conditions. ClinVar contains an entry for this variant (Variation ID: 855445). Invitae Evidence Modeling of protein sequence and biophysical properties (such as structural, functional, and spatial information, amino acid conservation, physicochemical variation, residue mobility, and thermodynamic stability) has been performed for this missense variant. However, the output from this modeling did not meet the statistical confidence thresholds required to predict the impact of this variant on KCNQ2 protein function. In summary, the available evidence is currently insufficient to determine the role of this variant in disease. Therefore, it has been classified as a Variant of Uncertain Significance.

CeGaT Center for Human Genetics Tuebingen
Classification: Uncertain significance. Last evaluated: 2024-07-01. Review status: criteria provided, single submitter. Criteria: CeGaT Center For Human Genetics Tuebingen Variant Classification Criteria Version 2. Collection method: clinical testing. Allele origin: germline. Affected: yes. Observed: 1 variant allele.